The following is an entry in ClinVar:

NM_032237.5(POMK):c.265G>A (p.Glu89Lys)

Gene: POMK (protein O-mannose kinase; plus strand). Cytogenetic location: 8p11.21.
Variant type: single nucleotide variant.
Coding change: c.265G>A on transcript NM_032237.5 (MANE Select); coding-DNA position 265, G replaced by A.
Protein change: p.Glu89Lys; replaces glutamic acid 89 with lysine.
Molecular consequence: missense variant.
Genome position (GRCh38, 1-based): chr8:43,103,813, G>A. VCF-style: chr8-43103813-G-A. GRCh37 (hg19) VCF-style: chr8-42958956-G-A.
Other names: c.265G>A, p.Glu89Lys (NM_001277971.2); short protein forms E89K.
Identifiers: ClinVar variation 838680 (VCV000838680.6), dbSNP rs925752217, ClinGen allele CA176066520.

ClinVar aggregate classification (germline): Uncertain significance (1 of 4 stars; one submission).

Conditions:
Limb-girdle muscular dystrophy due to POMK deficiency. Also called: MUSCULAR DYSTROPHY-DYSTROGLYCANOPATHY, LIMB-GIRDLE, POMK-RELATED; Muscular dystrophy-dystroglycanopathy (limb-girdle), type c, 12. Identifiers: Orphanet 445110, MedGen C4015184, MONDO:0014489, OMIM 616094.
Muscular dystrophy-dystroglycanopathy (congenital with brain and eye anomalies), type a, 12 (MDDGA12). Also called: WALKER-WARBURG SYNDROME OR MUSCLE-EYE-BRAIN DISEASE, POMK-RELATED. Identifiers: Orphanet 899, MedGen C3808964, MONDO:0014101, OMIM 615249.

Allele frequency attached by ClinVar (database versions not stated): gnomAD exomes below 0.00001; TOPMed below 0.00001.
gnomAD v4.1: 2 of 1,614,200 alleles (0.00012%); highest among the groups gnomAD compares: Non-Finnish European, 0.00017%; no homozygotes.

Submission:

Labcorp Genetics (formerly Invitae), Labcorp
Classification: Uncertain significance for Muscular dystrophy-dystroglycanopathy (congenital with brain and eye anomalies), type a, 12; Limb-girdle muscular dystrophy due to POMK deficiency. Last evaluated: 2022-06-20. Review status: criteria provided, single submitter. Criteria: Invitae Variant Classification Sherloc (09022015). Collection method: clinical testing. Allele origin: germline.
Comment: In summary, the available evidence is currently insufficient to determine the role of this variant in disease. Therefore, it has been classified as a Variant of Uncertain Significance. Algorithms developed to predict the effect of missense changes on protein structure and function are either unavailable or do not agree on the potential impact of this missense change (SIFT: "Deleterious"; PolyPhen-2: "Benign"; Align-GVGD: "Class C15"). ClinVar contains an entry for this variant (Variation ID: 838680). This variant has not been reported in the literature in individuals affected with POMK-related conditions. This variant is present in population databases (no rsID available, gnomAD 0.007%). This sequence change replaces glutamic acid, which is acidic and polar, with lysine, which is basic and polar, at codon 89 of the POMK protein (p.Glu89Lys).